The following is an entry in ClinVar:

ClinVar aggregate classification (germline): Uncertain significance. Review status: criteria provided, multiple submitters, no conflicts (2 of 4 stars). 2 submissions from 2 submitters: Uncertain significance (2). Last evaluated 2026-06-03.

Conditions:
TTN-related disorder. Also called: TTN-related condition; TTN-related disease; TTN-related disorders.

Allele frequency attached by ClinVar (database versions not stated): gnomAD 0.00001; gnomAD exomes 0.00001 and 0.00004; ExAC 0.00006.
gnomAD v4.1: 9 of 1,613,672 alleles (0.00056%); highest among the groups gnomAD compares: Admixed American, 0.015%; no homozygotes.

Submissions (2):

PreventionGenetics, part of Exact Sciences
Classification: Uncertain significance for TTN-related condition. Last evaluated: 2026-06-03. Review status: criteria provided, single submitter. Criteria: ACMG Guidelines, 2015. Collection method: clinical testing. Allele origin: germline.
Comment: The TTN c.92890T>G variant is predicted to result in the amino acid substitution p.Ser30964Ala. To our knowledge, this variant has not been reported in the literature. This variant is reported in 0.026% of alleles in individuals of Latino descent in gnomAD. At this time, the clinical significance of this variant is uncertain due to the absence of conclusive functional and genetic evidence.

Eurofins Ntd Llc (ga)
Classification: Uncertain significance. Last evaluated: 2016-12-30. Review status: criteria provided, single submitter. Criteria: EGL Classification Definitions 2015. Collection method: clinical testing. Allele origin: germline. Observed: 1 variant allele, 1 heterozygote.

NM_001267550.2(TTN):c.92890T>G (p.Ser30964Ala)

Genes: TTN (titin; minus strand), TTN-AS1 (TTN antisense RNA 1; plus strand). Cytogenetic location: 2q31.2.
Variant type: single nucleotide variant.
Coding change: c.92890T>G on transcript NM_001267550.2 (MANE Select); coding-DNA position 92890, T replaced by G.
Protein change: p.Ser30964Ala; replaces serine 30964 with alanine.
Molecular consequence: missense variant.
Genome position (GRCh38, 1-based): chr2:178,548,736, A>C on the plus strand (T>G on the coding strand, the complement: TTN is on the minus strand). VCF-style: chr2-178548736-A-C. GRCh37 (hg19) VCF-style: chr2-179413463-A-C.
Other names: c.87967T>G, p.Ser29323Ala (NM_001256850.1); c.65695T>G, p.Ser21899Ala (NM_003319.4); c.85186T>G, p.Ser28396Ala (NM_133378.4); c.66070T>G, p.Ser22024Ala (NM_133432.3); c.66271T>G, p.Ser22091Ala (NM_133437.4); short protein forms S28396A, S30964A, S22091A, S29323A, S22024A, S21899A.
Identifiers: ClinVar variation 499540 (VCV000499540.6), dbSNP rs752684712, ClinGen allele CA1987389.